The following is an entry in ClinVar:

ClinVar aggregate classification (germline): Uncertain significance (1 of 4 stars; one submission).

Conditions:
Auriculocondylar syndrome 2 (ARCND2A). Also called: AURICULOCONDYLAR SYNDROME 2A. Identifiers: Orphanet 137888, MedGen C3553404, MONDO:0013845, OMIM 614669.
Auriculocondylar syndrome 2B (ARCND2B). Identifiers: MedGen C5830664, MONDO:0957544, OMIM 620458.

Submission:

Juno Genomics, Hangzhou Juno Genomics, Inc
Classification: Uncertain significance for Auriculocondylar syndrome 2; Auriculocondylar syndrome 2B. Review status: criteria provided, single submitter. Criteria: ACMG Guidelines, 2015. Collection method: clinical testing. Allele origin: germline.
Comment: Missense variant in a gene that has a low rate of benign missense variation.;Multiple lines of computational evidence support a deleterious effect on the gene or gene product.;Absent from controls (or at extremely low frequency if recessive) in Genome Aggregation Database.

NM_001377142.1(PLCB4):c.2299G>A (p.Glu767Lys)

Gene: PLCB4 (phospholipase C beta 4; plus strand). Cytogenetic location: 20p12.2.
Variant type: single nucleotide variant.
Coding change: c.2299G>A on transcript NM_001377142.1 (MANE Select); coding-DNA position 2299, G replaced by A.
Protein change: p.Glu767Lys; replaces glutamic acid 767 with lysine.
Molecular consequence: missense variant.
Genome position (GRCh38, 1-based): chr20:9,421,441, G>A. VCF-style: chr20-9421441-G-A. GRCh37 (hg19) VCF-style: chr20-9402088-G-A.
Other names: c.2263G>A, p.Glu755Lys (NM_000933.4, NM_001377134.2, NM_001377135.1 and 2 more transcripts); c.2299G>A, p.Glu767Lys (NM_001172646.2, NM_001377143.1); short protein forms E767K, E755K.
Identifiers: ClinVar variation 5006407 (VCV005006407.2).